The following is an entry in ClinVar:

NM_002547.3(OPHN1):c.128G>A (p.Gly43Asp)

Gene: OPHN1 (oligophrenin 1; minus strand). Cytogenetic location: Xq12.
Variant type: single nucleotide variant.
Coding change: c.128G>A on transcript NM_002547.3 (MANE Select); coding-DNA position 128, G replaced by A.
Protein change: p.Gly43Asp; replaces glycine 43 with aspartic acid.
Molecular consequence: missense variant.
Genome position (GRCh38, 1-based): chrX:68,432,893, C>T on the plus strand (G>A on the coding strand, the complement: OPHN1 is on the minus strand). VCF-style: chrX-68432893-C-T. GRCh37 (hg19) VCF-style: chrX-67652735-C-T.
Other names: c.128G>A, p.Gly43Asp (NM_001437258.1); short protein forms G43D.
Identifiers: ClinVar variation 5037008 (VCV005037008.1).

ClinVar aggregate classification (germline): Uncertain significance (1 of 4 stars; one submission).

Submission:

GeneDx
Classification: Uncertain significance. Last evaluated: 2026-04-13. Review status: criteria provided, single submitter. Criteria: GeneDx Variant Classification Process June 2021. Collection method: clinical testing. Allele origin: germline.
Comment: Not observed at significant frequency in large population cohorts (gnomAD); In silico analysis supports that this missense variant has a deleterious effect on protein structure/function; Has not been previously published as pathogenic or benign to our knowledge